The following is an entry in ClinVar:

ClinVar aggregate classification (germline): Likely benign. Review status: criteria provided, multiple submitters, no conflicts (2 of 4 stars). 4 submissions from 4 submitters: Likely benign (3). 1 of the submissions does not count toward it. Last evaluated 2025-03-18.

Conditions:
USH1C-related disorder. Also called: USH1C-related condition.
Usher syndrome type 1C. Also called: USHER SYNDROME, TYPE I, ACADIAN VARIETY. Identifiers: Orphanet 231169, Orphanet 886, MedGen C1848604, MONDO:0010171, OMIM 276904.
Autosomal recessive nonsyndromic hearing loss 18A. Also called: Deafness, autosomal recessive 18A; DEAFNESS, AUTOSOMAL RECESSIVE 18. Identifiers: Orphanet 90636, MedGen C1865870, MONDO:0011192, OMIM 602092.

Allele frequency attached by ClinVar (database versions not stated): ESP Exome Variant Server 0.00008; gnomAD 0.00013 and 0.00014; TOPMed 0.00013.
gnomAD v4.1: 76 of 1,613,392 alleles (0.0047%); highest among the groups gnomAD compares: African/African-American, 0.028%; no homozygotes.

Submissions (4):

PreventionGenetics, part of Exact Sciences
Classification: Likely benign for USH1C-related condition. Last evaluated: 2025-03-18. Review status: criteria provided, single submitter. Criteria: ACMG Guidelines, 2015. Collection method: clinical testing. Allele origin: germline.
Comment: This variant is classified as likely benign based on ACMG/AMP sequence variant interpretation guidelines (Richards et al. 2015 PMID: 25741868, with internal and published modifications).

Blueprint Genetics
Classification: Likely benign. Last evaluated: 2023-10-30. Review status: criteria provided, single submitter. Criteria: ACMG Guidelines, 2015. Collection method: clinical testing. Allele origin: germline.

Laboratory for Molecular Medicine, Mass General Brigham Personalized Medicine
Classification: Likely benign. Last evaluated: 2012-04-30. Review status: criteria provided, single submitter. Criteria: LMM Criteria. Collection method: clinical testing. Allele origin: germline. Observed: 1 variant allele.
Comment: Tyr411Tyr in Exon 15 of USH1C: This variant is not expected to have clinical sig nificance because it does not alter an amino acid residue, is not located within the splice consensus sequence, and has been identified in 1/3738 African Americ an chromosomes from a broad population by the NHLBI Exome Sequencing Project.

Counsyl
Classification: Likely benign for Usher syndrome type 1C; Autosomal recessive nonsyndromic hearing loss 18A. Last evaluated: 2017-07-31. Review status: no assertion criteria provided. Collection method: clinical testing. Allele origin: unknown. Not counted in ClinVar's aggregate classification.

NM_153676.4(USH1C):c.1233C>T (p.Tyr411=)

Gene: USH1C (USH1 protein network component harmonin; minus strand). Cytogenetic location: 11p15.1.
Variant type: single nucleotide variant.
Coding change: c.1233C>T on transcript NM_153676.4 (MANE Select); coding-DNA position 1233, C replaced by T.
Protein change: p.Tyr411=; no amino-acid change (tyrosine 411 retained).
Molecular consequence: synonymous variant. On other transcripts: intron variant (2).
Genome position (GRCh38, 1-based): chr11:17,516,268, G>A on the plus strand (C>T on the coding strand, the complement: USH1C is on the minus strand). VCF-style: chr11-17516268-G-A. GRCh37 (hg19) VCF-style: chr11-17537815-G-A.
Other names: c.1227+1133C>T (NM_001297764.2); c.1284+1133C>T (NM_005709.4).
Identifiers: ClinVar variation 166386 (VCV000166386.8), dbSNP rs377439949, ClinGen allele CA179484.